The following is an entry in ClinVar:

NM_005529.7(HSPG2):c.3398G>A (p.Arg1133His)

Gene: HSPG2 (heparan sulfate proteoglycan 2; minus strand). Cytogenetic location: 1p36.12.
Variant type: single nucleotide variant.
Coding change: c.3398G>A on transcript NM_005529.7 (MANE Select); coding-DNA position 3398, G replaced by A.
Protein change: p.Arg1133His; replaces arginine 1133 with histidine.
Molecular consequence: missense variant.
Genome position (GRCh38, 1-based): chr1:21,874,907, C>T on the plus strand (G>A on the coding strand, the complement: HSPG2 is on the minus strand). VCF-style: chr1-21874907-C-T. GRCh37 (hg19) VCF-style: chr1-22201400-C-T.
Other names: c.3401G>A, p.Arg1134His (NM_001291860.2); short protein forms R1133H, R1134H.
Identifiers: ClinVar variation 1906762 (VCV001906762.8), dbSNP rs780698968, ClinGen allele CA672666.

ClinVar aggregate classification (germline): Uncertain significance. Review status: criteria provided, multiple submitters, no conflicts (2 of 4 stars). 3 submissions from 3 submitters: Uncertain significance (3). Last evaluated 2024-12-19.

Conditions:
Inborn genetic diseases. Identifiers: MedGen C0950123, MeSH D030342.

Allele frequency attached by ClinVar (database versions not stated): TOPMed 0.00008; gnomAD 0.00005; ExAC 0.00002.
gnomAD v4.1: 28 of 1,612,216 alleles (0.0017%); highest among the groups gnomAD compares: African/African-American, 0.021%; no homozygotes.

Submissions (3):

GeneDx
Classification: Uncertain significance. Last evaluated: 2024-12-19. Review status: criteria provided, single submitter. Criteria: GeneDx Variant Classification Process June 2021. Collection method: clinical testing. Allele origin: germline.
Comment: In silico analysis supports that this missense variant has a deleterious effect on protein structure/function; Has not been previously published as pathogenic or benign to our knowledge

Ambry Genetics
Classification: Uncertain significance for Inborn genetic diseases. Last evaluated: 2022-11-17. Review status: criteria provided, single submitter. Criteria: Ambry Variant Classification Scheme 2023. Collection method: clinical testing. Allele origin: germline.

Labcorp Genetics (formerly Invitae), Labcorp
Classification: Uncertain significance. Last evaluated: 2022-01-17. Review status: criteria provided, single submitter. Criteria: Invitae Variant Classification Sherloc (09022015). Collection method: clinical testing. Allele origin: germline.
Comment: This sequence change replaces arginine, which is basic and polar, with histidine, which is basic and polar, at codon 1133 of the HSPG2 protein (p.Arg1133His). This variant is present in population databases (rs780698968, gnomAD 0.02%). This variant has not been reported in the literature in individuals affected with HSPG2-related conditions. Algorithms developed to predict the effect of missense changes on protein structure and function are either unavailable or do not agree on the potential impact of this missense change (SIFT: "Tolerated"; PolyPhen-2: "Probably Damaging"; Align-GVGD: "Class C0"). In summary, the available evidence is currently insufficient to determine the role of this variant in disease. Therefore, it has been classified as a Variant of Uncertain Significance.